The following is an entry in ClinVar:

ClinVar aggregate classification (germline): Uncertain significance (1 of 4 stars; one submission).

Conditions:
Fanconi anemia (FA). Also called: Fanconi's anemia. Identifiers: Orphanet 84, MedGen C0015625, MeSH D005199, MONDO:0019391.

Submission:

Labcorp Genetics (formerly Invitae), Labcorp
Classification: Uncertain significance for Fanconi anemia. Last evaluated: 2025-09-29. Review status: criteria provided, single submitter. Criteria: Invitae Variant Classification Sherloc (09022015). Collection method: clinical testing. Allele origin: germline.
Comment: This sequence change replaces histidine, which is basic and polar, with serine, which is neutral and polar, at codon 330 of the FANCA protein (p.His330Ser). Information on the frequency of this variant in the gnomAD database is not available, as this variant may be reported differently in the database. This variant has not been reported in the literature in individuals affected with FANCA-related conditions. An algorithm developed to predict the effect of missense changes on protein structure and function (PolyPhen-2) suggests that this variant is likely to be tolerated. In summary, the available evidence is currently insufficient to determine the role of this variant in disease. Therefore, it has been classified as a Variant of Uncertain Significance.

NM_000135.4(FANCA):c.988_989delinsTC (p.His330Ser)

Gene: FANCA (FA complementation group A; minus strand). Cytogenetic location: 16q24.3.
Variant type: Indel.
Coding change: c.988_989delinsTC on transcript NM_000135.4 (MANE Select); coding-DNA positions 988 to 989, CA replaced by TC.
Protein change: p.His330Ser; replaces histidine 330 with serine.
Molecular consequence: missense variant.
Genome position (GRCh38, 1-based): chr16:89,795,923-89,795,924, TG replaced by GA on the plus strand (CA replaced by TC on the coding strand, the reverse complement: FANCA is on the minus strand). VCF-style: chr16-89795923-TG-GA. GRCh37 (hg19) VCF-style: chr16-89862331-TG-GA.
Other names: c.988_989delinsTC, p.His330Ser (NM_001286167.3); short protein forms H330S.
Identifiers: ClinVar variation 4761428 (VCV004761428.1).
Genomic context (GRCh38, chr16:89,795,923, plus strand): 5'-CCCAAAATGGGTAGCAACTGAGCAGCCTCCACACTGGGCCTACCTTTCAGCACAGGGCTG[TG>GA]AGTGAGTATCTGAGTCAGGGTATGACTGAAGAACCTCTTCAGAGGATCTGTGGAAATTAC-3'
Protein context (NP_000126.2, residues 320-340): FSHTLTQILT[His330Ser]SPVLKASDAV